The following is an entry in ClinVar:

NM_005219.5(DIAPH1):c.3038C>T (p.Thr1013Ile)

Gene: DIAPH1 (diaphanous related formin 1; minus strand). Cytogenetic location: 5q31.3.
Variant type: single nucleotide variant.
Coding change: c.3038C>T on transcript NM_005219.5 (MANE Select); coding-DNA position 3038, C replaced by T.
Protein change: p.Thr1013Ile; replaces threonine 1013 with isoleucine.
Molecular consequence: missense variant.
Genome position (GRCh38, 1-based): chr5:141,528,563, G>A on the plus strand (C>T on the coding strand, the complement: DIAPH1 is on the minus strand). VCF-style: chr5-141528563-G-A. GRCh37 (hg19) VCF-style: chr5-140908130-G-A.
Other names: c.3011C>T, p.Thr1004Ile (NM_001079812.3); c.3038C>T, p.Thr1013Ile (NM_001314007.2); c.3038C>T (NM_005219.4); short protein forms T1004I, T1013I.
Identifiers: ClinVar variation 1408860 (VCV001408860.9), dbSNP rs752924382, ClinGen allele CA3478905.

ClinVar aggregate classification (germline): Uncertain significance. Review status: criteria provided, multiple submitters, no conflicts (2 of 4 stars). 2 submissions from 2 submitters: Uncertain significance (2). Last evaluated 2026-02-23.

Conditions:
DIAPH1-related disorder. Also called: DIAPH1-related condition.
Autosomal dominant nonsyndromic hearing loss 1. Also called: KONIGSMARK SYNDROME; DEAFNESS, AUTOSOMAL DOMINANT 1, WITH OR WITHOUT THROMBOCYTOPENIA. Identifiers: Orphanet 90635, MedGen C1852282, MONDO:0007424, OMIM 124900.
Progressive microcephaly-seizures-cortical blindness-developmental delay syndrome. Also called: Seizures, cortical blindness, and microcephaly syndrome. Identifiers: Orphanet 477814, MedGen C5567650, MONDO:0014714, OMIM 616632.

Allele frequency attached by ClinVar (database versions not stated): gnomAD exomes below 0.00001 and 0.00001; ExAC 0.00001; TOPMed 0.00001.

Submissions (2):

PreventionGenetics, part of Exact Sciences
Classification: Uncertain significance for DIAPH1-related condition. Last evaluated: 2026-02-23. Review status: criteria provided, single submitter. Criteria: ACMG Guidelines, 2015. Collection method: clinical testing. Allele origin: germline.
Comment: The DIAPH1 c.3038C>T variant is predicted to result in the amino acid substitution p.Thr1013Ile. This variant has been reported in an individual with hearing loss (González-Aguado et al. 2025. PubMed ID: 40651568). This variant is reported in 0.0087% of alleles in individuals of Latino descent in gnomAD. At this time, the clinical significance of this variant is uncertain due to the absence of conclusive functional and genetic evidence.

Labcorp Genetics (formerly Invitae), Labcorp
Classification: Uncertain significance for Progressive microcephaly-seizures-cortical blindness-developmental delay syndrome; Autosomal dominant nonsyndromic hearing loss 1. Last evaluated: 2024-12-04. Review status: criteria provided, single submitter. Criteria: Invitae Variant Classification Sherloc (09022015). Collection method: clinical testing. Allele origin: germline.
Comment: This sequence change replaces threonine, which is neutral and polar, with isoleucine, which is neutral and non-polar, at codon 1013 of the DIAPH1 protein (p.Thr1013Ile). This variant is present in population databases (rs752924382, gnomAD 0.009%). This variant has not been reported in the literature in individuals affected with DIAPH1-related conditions. ClinVar contains an entry for this variant (Variation ID: 1408860). An algorithm developed to predict the effect of missense changes on protein structure and function (PolyPhen-2) suggests that this variant is likely to be tolerated. In summary, the available evidence is currently insufficient to determine the role of this variant in disease. Therefore, it has been classified as a Variant of Uncertain Significance.